The following is an entry in ClinVar:

NM_078629.4(MSL3):c.1125G>A (p.Gln375=)

Gene: MSL3 (MSL complex subunit 3; plus strand). Cytogenetic location: Xp22.2.
Variant type: single nucleotide variant.
Coding change: c.1125G>A on transcript NM_078629.4 (MANE Select); coding-DNA position 1125, G replaced by A.
Protein change: p.Gln375=; no amino-acid change (glutamine 375 retained).
Molecular consequence: synonymous variant.
Genome position (GRCh38, 1-based): chrX:11,765,683, G>A. VCF-style: chrX-11765683-G-A. GRCh37 (hg19) VCF-style: chrX-11783802-G-A.
Other names: c.1089G>A, p.Gln363= (NM_001193270.2); c.678G>A, p.Gln226= (NM_001282174.1); c.627G>A, p.Gln209= (NM_006800.4); c.1125G>A, p.Gln375= (NM_078628.2).
Identifiers: ClinVar variation 2579088 (VCV002579088.25), dbSNP rs367610679, ClinGen allele CA10348900.
Genomic context (GRCh38, chrX:11,765,683, plus strand): 5'-TGCCAACTGTGACAGGCTTTCTGAGAGCAGCGCTTCACCTCAGCCCAAGCGCCGGCAGCA[G>A]GACACATCCGCCAGCATGCCCAAGCTCTTCCTGCACCTGGAAAAGAGTAGGTTCATTCTC-3'
Protein context (NP_523353.2, residues 365-385): SASPQPKRRQ[Gln375=]DTSASMPKLF

ClinVar aggregate classification (germline): Likely benign (1 of 4 stars; one submission).

Allele frequency attached by ClinVar (database versions not stated): gnomAD 0.00001; TOPMed 0.00001; gnomAD exomes 0.00002; ExAC 0.00009; ESP Exome Variant Server 0.00009.
gnomAD v4.1: 18 of 1,210,791 alleles (0.0015%); highest among the groups gnomAD compares: Non-Finnish European, 0.002%; no homozygotes.

Submission:

CeGaT Center for Human Genetics Tuebingen
Classification: Likely benign. Last evaluated: 2023-07-01. Review status: criteria provided, single submitter. Criteria: CeGaT Center For Human Genetics Tuebingen Variant Classification Criteria Version 2. Collection method: clinical testing. Allele origin: germline. Affected: yes. Observed: 1 variant allele.
Comment: MSL3: BP4, BP7